The following is an entry in ClinVar:

ClinVar aggregate classification (germline): Uncertain significance. Review status: criteria provided, multiple submitters, no conflicts (2 of 4 stars). 5 submissions from 5 submitters: Uncertain significance (5). Last evaluated 2026-01-30.

Conditions:
POLD1-related polyposis and colorectal cancer syndrome (CRCS10). Also called: Colorectal cancer 10; COLORECTAL CANCER, SUSCEPTIBILITY TO, ON CHROMOSOME 19q; Colorectal cancer, susceptibility to, 10. Identifiers: Orphanet 220460, MedGen C2675481, MONDO:0012953, OMIM 612591.
Hereditary cancer-predisposing syndrome. Also called: Tumor predisposition; Neoplastic Syndromes, Hereditary; Hereditary Cancer Syndrome; Hereditary neoplastic syndrome. Identifiers: Orphanet 140162, MedGen C0027672, MeSH D009386, MONDO:0015356.

Allele frequency attached by ClinVar (database versions not stated): gnomAD 0.00001; TOPMed 0.00001.
gnomAD v4.1: 19 of 1,603,902 alleles (0.0012%); highest among the groups gnomAD compares: East Asian, 0.0045%; no homozygotes.

Submissions (5):

Labcorp Genetics (formerly Invitae), Labcorp
Classification: Uncertain significance for POLD1-related polyposis and colorectal cancer syndrome. Last evaluated: 2026-01-30. Review status: criteria provided, single submitter. Criteria: Invitae Variant Classification Sherloc (09022015). Collection method: clinical testing. Allele origin: germline.
Comment: This sequence change replaces arginine, which is basic and polar, with histidine, which is basic and polar, at codon 1060 of the POLD1 protein (p.Arg1060His). This variant is present in population databases (rs762090110, gnomAD 0.01%). This variant has not been reported in the literature in individuals affected with POLD1-related conditions. ClinVar contains an entry for this variant (Variation ID: 537112). Invitae Evidence Modeling of protein sequence and biophysical properties (such as structural, functional, and spatial information, amino acid conservation, physicochemical variation, residue mobility, and thermodynamic stability) indicates that this missense variant is not expected to disrupt POLD1 protein function with a negative predictive value of 80%. In summary, the available evidence is currently insufficient to determine the role of this variant in disease. Therefore, it has been classified as a Variant of Uncertain Significance.

Ambry Genetics
Classification: Uncertain significance for Hereditary cancer-predisposing syndrome. Last evaluated: 2024-12-18. Review status: criteria provided, single submitter. Criteria: Ambry Variant Classification Scheme 2023. Collection method: clinical testing. Allele origin: germline.
Comment: The p.R1060H variant (also known as c.3179G>A), located in coding exon 25 of the POLD1 gene, results from a G to A substitution at nucleotide position 3179. The arginine at codon 1060 is replaced by histidine, an amino acid with highly similar properties. This amino acid position is conserved. In addition, this alteration is predicted to be tolerated by in silico analysis. Based on the available evidence, the clinical significance of this variant remains unclear.

GeneDx
Classification: Uncertain significance. Last evaluated: 2023-08-16. Review status: criteria provided, single submitter. Criteria: GeneDx Variant Classification Process June 2021. Collection method: clinical testing. Allele origin: germline. Affected: yes.
Comment: Not observed at significant frequency in large population cohorts (gnomAD); In silico analysis supports that this missense variant has a deleterious effect on protein structure/function; Has not been previously published as pathogenic or benign to our knowledge; This variant is associated with the following publications: (PMID: 29056344, 29703253, 19296856)

MGZ Medical Genetics Center
Classification: Uncertain significance for POLD1-related polyposis and colorectal cancer syndrome. Last evaluated: 2022-07-15. Review status: criteria provided, single submitter. Criteria: ACMG Guidelines, 2015. Collection method: clinical testing. Allele origin: germline. Affected: yes. Observed: 1 variant allele.
Comment: ACMG criteria applied: PM2_SUP, BP4

Sema4
Classification: Uncertain significance for Hereditary cancer-predisposing syndrome. Last evaluated: 2021-05-20. Review status: criteria provided, single submitter. Criteria: Sema4 Curation Guidelines. Collection method: curation. Allele origin: germline.
Comment: The POLD1 c.3179G>A (p.R1060H) variant has not been reported in the literature to our knowledge. It was observed in 2/17836 chromosomes in the East Asian subpopulation in the large and broad cohorts of the Genome Aggregation Database (PMID: 32461654). The variant has been reported in ClinVar (Variation ID: 537112). In silico tools suggest the impact of the variant on protein function is inconclusive, though these predictions have not been confirmed by functional studies. The evidence is insufficient to meet ACMG/AMP criteria for classifying the variant as benign or pathogenic. Thus, the clinical significance of this variant is currently uncertain.

NM_002691.4(POLD1):c.3179G>A (p.Arg1060His)

Gene: POLD1 (DNA polymerase delta 1, catalytic subunit; plus strand). Cytogenetic location: 19q13.33.
Variant type: single nucleotide variant.
Coding change: c.3179G>A on transcript NM_002691.4 (MANE Select); coding-DNA position 3179, G replaced by A.
Protein change: p.Arg1060His; replaces arginine 1060 with histidine.
Molecular consequence: missense variant. On other transcripts: non-coding transcript variant (1).
Genome position (GRCh38, 1-based): chr19:50,417,230, G>A. VCF-style: chr19-50417230-G-A. GRCh37 (hg19) VCF-style: chr19-50920487-G-A.
Other names: c.3179G>A, p.Arg1060His (NM_001256849.1); c.3257G>A, p.Arg1086His (NM_001308632.1); c.3179G>A (NM_002691.2); short protein forms R1060H, R1086H.
Identifiers: ClinVar variation 537112 (VCV000537112.17), dbSNP rs762090110, ClinGen allele CA9596783.